The following is an entry in ClinVar:

ClinVar aggregate classification (germline): Conflicting classifications of pathogenicity. Review status: criteria provided, conflicting classifications (1 of 4 stars). 2 submissions from 2 submitters: Uncertain significance (1); Likely benign (1). Last evaluated 2024-02-13.

Conditions:
Erythrocytosis, familial, 3 (ECYT3). Identifiers: Orphanet 247511, MedGen C1853286, MONDO:0012353, OMIM 609820.

Allele frequency attached by ClinVar (database versions not stated): gnomAD 0.00001 and 0.00002; TOPMed 0.00002; gnomAD exomes 0.00003 and 0.00005; ExAC 0.00004.
gnomAD v4.1: 45 of 1,613,888 alleles (0.0028%); highest among the groups gnomAD compares: Middle Eastern, 0.049%; no homozygotes.

Submissions (3):

Labcorp Genetics (formerly Invitae), Labcorp
Classification: Uncertain significance for Erythrocytosis, familial, 3. Last evaluated: 2024-02-13. Review status: criteria provided, single submitter. Criteria: Invitae Variant Classification Sherloc (09022015). Collection method: clinical testing. Allele origin: germline.
Comment: This sequence change replaces serine, which is neutral and polar, with arginine, which is basic and polar, at codon 289 of the EGLN1 protein (p.Ser289Arg). This variant is present in population databases (rs763045676, gnomAD 0.04%), and has an allele count higher than expected for a pathogenic variant. This missense change has been observed in individual(s) with clinical features of familial erythrocytosis (PMID: 29790589). ClinVar contains an entry for this variant (Variation ID: 407207). An algorithm developed to predict the effect of missense changes on protein structure and function (PolyPhen-2) suggests that this variant is likely to be tolerated. Algorithms developed to predict the effect of sequence changes on RNA splicing suggest that this variant may create or strengthen a splice site. In summary, the available evidence is currently insufficient to determine the role of this variant in disease. Therefore, it has been classified as a Variant of Uncertain Significance.

Ambry Genetics
Classification: Likely benign. Last evaluated: 2022-06-02. Review status: criteria provided, single submitter. Criteria: Ambry Variant Classification Scheme 2023. Collection method: clinical testing. Allele origin: germline.

Dr. Peter K. Rogan Lab, Western University
No classification provided (evidence only). Condition: Clear cell carcinoma of kidney. Review status: no classification provided. Collection method: in vitro. Allele origin: not applicable. Functional consequence: retained intron. Not counted in ClinVar's aggregate classification.

Literature cited by the submitters: PubMed 29790589 (cited by Labcorp Genetics (formerly Invitae), Labcorp and Ambry Genetics).

NM_022051.3(EGLN1):c.867C>G (p.Ser289Arg)

Genes: EGLN1 (egl-9 family hypoxia inducible factor 1; minus strand), LOC129932769 (ATAC-STARR-seq lymphoblastoid active region 2730; plus strand). Cytogenetic location: 1q42.2.
Variant type: single nucleotide variant.
Coding change: c.867C>G on transcript NM_022051.3 (MANE Select); coding-DNA position 867, C replaced by G.
Protein change: p.Ser289Arg; replaces serine 289 with arginine.
Molecular consequence: missense variant.
Genome position (GRCh38, 1-based): chr1:231,421,022, G>C on the plus strand (C>G on the coding strand, the complement: EGLN1 is on the minus strand). VCF-style: chr1-231421022-G-C. GRCh37 (hg19) VCF-style: chr1-231556768-G-C.
Other names: c.867C>G, p.Ser289Arg (NM_001377260.1, NM_001377261.1); short protein forms S289R.
Identifiers: ClinVar variation 407207 (VCV000407207.8), dbSNP rs763045676, ClinGen allele CA1453092.